The following is an entry in ClinVar:

NM_005751.5(AKAP9):c.4994A>T (p.Gln1665Leu)

Genes: AKAP9 (A-kinase anchoring protein 9; plus strand), LOC121175350 (Sharpr-MPRA regulatory region 2641; plus strand). Cytogenetic location: 7q21.2.
Variant type: single nucleotide variant.
Coding change: c.4994A>T on transcript NM_005751.5 (MANE Select); coding-DNA position 4994, A replaced by T.
Protein change: p.Gln1665Leu; replaces glutamine 1665 with leucine.
Molecular consequence: missense variant.
Genome position (GRCh38, 1-based): chr7:92,042,122, A>T. VCF-style: chr7-92042122-A-T. GRCh37 (hg19) VCF-style: chr7-91671436-A-T.
Other names: c.4994A>T, p.Gln1665Leu (NM_147185.3); short protein forms Q1665L.
Identifiers: ClinVar variation 643224 (VCV000643224.8), dbSNP rs763089587, ClinGen allele CA4336710.

ClinVar aggregate classification (germline): Conflicting classifications of pathogenicity. Review status: criteria provided, conflicting classifications (1 of 4 stars). 2 submissions from 2 submitters: Uncertain significance (1); Likely benign (1). Last evaluated 2025-12-21.

Conditions:
Cardiovascular phenotype. Identifiers: MedGen CN230736.
Long QT syndrome (LQTS). Identifiers: MedGen C0023976, MeSH D008133, MONDO:0002442. Disease mechanism: loss of function. Inheritance: Various modes of inheritance.

Allele frequency attached by ClinVar (database versions not stated): gnomAD 0.00001; gnomAD exomes 0.00001 and 0.00007; TOPMed 0.00006; ExAC 0.00008.
gnomAD v4.1: 22 of 1,613,946 alleles (0.0014%); highest among the groups gnomAD compares: Admixed American, 0.035%; no homozygotes.

Submissions (2):

Labcorp Genetics (formerly Invitae), Labcorp
Classification: Uncertain significance for Long QT syndrome. Last evaluated: 2025-12-21. Review status: criteria provided, single submitter. Criteria: Invitae Variant Classification Sherloc (09022015). Collection method: clinical testing. Allele origin: germline.
Comment: This sequence change replaces glutamine, which is neutral and polar, with leucine, which is neutral and non-polar, at codon 1665 of the AKAP9 protein (p.Gln1665Leu). This variant is present in population databases (rs763089587, gnomAD 0.04%). This variant has not been reported in the literature in individuals affected with AKAP9-related conditions. ClinVar contains an entry for this variant (Variation ID: 643224). An algorithm developed to predict the effect of missense changes on protein structure and function (PolyPhen-2) suggests that this variant is likely to be disruptive. In summary, the available evidence is currently insufficient to determine the role of this variant in disease. Therefore, it has been classified as a Variant of Uncertain Significance.

Ambry Genetics
Classification: Likely benign for Cardiovascular phenotype. Last evaluated: 2023-08-14. Review status: criteria provided, single submitter. Criteria: Ambry Variant Classification Scheme 2023. Collection method: clinical testing. Allele origin: germline.